The following is an entry in ClinVar:

ClinVar aggregate classification (germline): Conflicting classifications of pathogenicity. Review status: criteria provided, conflicting classifications (1 of 4 stars). 9 submissions from 9 submitters: Uncertain significance (6); Likely benign (1). 2 of the submissions do not count toward it. Last evaluated 2025-06-17.

Conditions:
Hereditary cancer-predisposing syndrome. Also called: Tumor predisposition; Hereditary Cancer Syndrome; Hereditary neoplastic syndrome; Neoplastic Syndromes, Hereditary. Identifiers: Orphanet 140162, MedGen C0027672, MeSH D009386, MONDO:0015356.
Fanconi anemia complementation group C (FANCC). Also called: FANCONI PANCYTOPENIA, TYPE 3; FACC; FANCC-Related Fanconi Anemia; Fanconi anemia, group C. Identifiers: Orphanet 84, MedGen C3468041, MONDO:0009213, OMIM 227645.
Fanconi anemia (FA). Also called: Fanconi's anemia. Identifiers: Orphanet 84, MedGen C0015625, MeSH D005199, MONDO:0019391.
Malignant tumor of breast. Also called: Malignant breast neoplasm; Cancer breast. Identifiers: MedGen C0006142, MONDO:0007254. Disease mechanism: loss of function.

Allele frequency attached by ClinVar (database versions not stated): gnomAD 0.00001; TOPMed 0.00001; gnomAD exomes 0.00003 and 0.00004; ExAC 0.00005.
gnomAD v4.1: 44 of 1,613,926 alleles (0.0027%); highest among the groups gnomAD compares: Non-Finnish European, 0.0036%; no homozygotes.

Submissions (9):

St. Jude Molecular Pathology, St. Jude Children's Research Hospital
Classification: Uncertain significance for Fanconi anemia complementation group C. Last evaluated: 2025-06-17. Review status: criteria provided, single submitter. Criteria: St. Jude Assertion Criteria 2020. Collection method: clinical testing. Allele origin: germline.
Comment: The FANCC c.792T>G p.(Ser264Arg) missense change has a maximum subpopulation frequency of 0.0079% in gnomAD v2.1.1. The in silico tool REVEL predicts a ben ign effect on protein function. To our knowledge, this variant has not been reported in the literature in individuals with Fanconi anemia. In summary, the evidence currently available is insufficient to determine the clinical significance of this variant. It has therefore been classified as of uncertain significance.

Labcorp Genetics (formerly Invitae), Labcorp
Classification: Uncertain significance for Fanconi anemia. Last evaluated: 2025-02-17. Review status: criteria provided, single submitter. Criteria: Invitae Variant Classification Sherloc (09022015). Collection method: clinical testing. Allele origin: germline.
Comment: This sequence change replaces serine, which is neutral and polar, with arginine, which is basic and polar, at codon 264 of the FANCC protein (p.Ser264Arg). This variant is present in population databases (rs730881717, gnomAD 0.008%). This variant has not been reported in the literature in individuals affected with FANCC-related conditions. ClinVar contains an entry for this variant (Variation ID: 182477). Invitae Evidence Modeling of protein sequence and biophysical properties (such as structural, functional, and spatial information, amino acid conservation, physicochemical variation, residue mobility, and thermodynamic stability) indicates that this missense variant is not expected to disrupt FANCC protein function with a negative predictive value of 80%. Experimental studies are conflicting or provide insufficient evidence to determine the effect of this variant on FANCC function (PMID: 31721781). In summary, the available evidence is currently insufficient to determine the role of this variant in disease. Therefore, it has been classified as a Variant of Uncertain Significance.

Ambry Genetics
Classification: Likely benign for Hereditary cancer-predisposing syndrome. Last evaluated: 2024-03-25. Review status: criteria provided, single submitter. Criteria: Ambry Variant Classification Scheme 2023. Collection method: clinical testing. Allele origin: germline.

GeneDx
Classification: Uncertain significance. Last evaluated: 2024-01-17. Review status: criteria provided, single submitter. Criteria: GeneDx Variant Classification Process June 2021. Collection method: clinical testing. Allele origin: germline. Affected: yes.
Comment: In silico analysis, which includes protein predictors and evolutionary conservation, supports that this variant does not alter protein structure/function; Published functional studies suggest no damaging effect: mRNA expression, radial chromosome formation and relative viability after exposure to Mitomycin C, and ability to rescue G2/M arrest were all comparable to wildtype (PMID: 31721781); This variant is associated with the following publications: (PMID: 30404791, 31721781, Gordon2000[Book], 33471991, 29654263, 31874108, 32885271)

Fulgent Genetics
Classification: Uncertain significance for Fanconi anemia complementation group C. Last evaluated: 2021-07-30. Review status: criteria provided, single submitter. Criteria: ACMG Guidelines, 2015. Collection method: clinical testing. Allele origin: unknown.

Women's Health and Genetics/Laboratory Corporation of America, LabCorp
Classification: Uncertain significance. Last evaluated: 2021-07-08. Review status: criteria provided, single submitter. Criteria: LabCorp Variant Classification Summary - May 2015. Collection method: clinical testing. Allele origin: germline.
Comment: Variant summary: FANCC c.792T>G (p.Ser264Arg) results in a non-conservative amino acid change in the encoded protein sequence. Four of five in-silico tools predict a benign effect of the variant on protein function. The variant allele was found at a frequency of 3.6e-05 in 251446 control chromosomes (gnomAD). The available data on variant occurrences in the general population are insufficient to allow any conclusion about variant significance. c.792T>G has been reported in the literature in an individual affected with childhood T-cell acute lymphoblastic leukemia (Burns_2018, Pouliot_2019) and in a prostate cancer tumor sample (Mateo_2020), however it is unclear whether the variant was somatic or germline occurrence in these cases. In a large study evaluating breast cancer cases and controls in the Breast Cancer Association Consortium (BCAC) the variant was reported in 4/60466 cases and 8/53461 controls (Dorling_2021 through LOVD). These reports do not provide unequivocal conclusions about association of the variant with Fanconi Anemia Group C. At least one publication reported experimental evidence evaluating an impact on protein function, and demonstrated a hypomorphic effect (about 75-80% of the wild-type function) based on viability, ability to rescue G2/M arrest, and efficiency in reducing radial chromosome formation after treatment with DNA cross-linking agents (Pouliot_2019). Three other clinical diagnostic laboratories have submitted clinical-significance assessments for this variant to ClinVar after 2014, and all of them classified the variant as uncertain significance. Based on the evidence outlined above, the variant was classified as uncertain significance.

Genetic Services Laboratory, University of Chicago
Classification: Uncertain significance. Last evaluated: 2020-05-01. Review status: criteria provided, single submitter. Criteria: ACMG Guidelines, 2015. Collection method: clinical testing. Allele origin: germline. Affected: no.
Comment: DNA sequence analysis of the FANCC gene demonstrated a sequence change, c.792T>G, in exon 8 that results in an amino acid change, p.Ser264Arg. This sequence change does not appear to have been previously described in patients with FANCC-related disorders and has been described in the gnomAD database with a low population frequency of 0.0079% in the non-Finnish European subpopulations (dbSNP rs730881717). The p.Ser264Arg change affects a moderately conserved amino acid residue located in a domain of the FANCC protein that is known to be functional. The p.Ser264Arg substitution appears to be benign using several in-silico pathogenicity prediction tools (SIFT, PolyPhen2, Align GVGD, REVEL). Due to these contrasting evidences and the lack of functional studies, the clinical significance of the p.Ser264Arg change remains unknown at this time.

Natera, Inc.
Classification: Uncertain significance for Fanconi anemia. Last evaluated: 2018-06-01. Review status: no assertion criteria provided. Collection method: clinical testing. Allele origin: germline. Not counted in ClinVar's aggregate classification.

Department of Pathology and Laboratory Medicine, Sinai Health System
Classification: Uncertain significance for Malignant tumor of breast. Review status: no assertion criteria provided. Collection method: clinical testing. Allele origin: unknown. Affected: yes. Study: The Canadian Open Genetics Repository (COGR). Not counted in ClinVar's aggregate classification.
Comment: The FANCC p.Ser264Arg variant was identified in 1 of 218 proband chromosomes (frequency: 0.005) from T-cell acute lymphoblastic leukemia clinical samples (Burns 2018). The variant was identified in dbSNP (rs730881717) as â€šÃ„Ãºwith uncertain significance alleleâ€šÃ„Ã¹ and ClinVar (classified as uncertain significance by Invitae, GeneDx and Integrated Genetics). The variant was not identified in LOVD 3.0. The variant was identified in control databases in 9 of 251,446 chromosomes at a frequency of 0.00004 (Genome Aggregation Database Feb 27, 2017). The variant was observed in the European population in 9 of 113,742 chromosomes (freq: 0.00008); it was not observed in the African, Latino, Ashkenazi Jewish, East Asian, Finnish, Other or South Asian populations. The p.Ser264 residue is conserved in in mammals but not in more distantly related organisms however computational analyses (PolyPhen-2, SIFT, AlignGVGD, BLOSUM, MutationTaster) do not suggest a high likelihood of impact to the protein; this information is not predictive enough to rule out pathogenicity. The variant occurs outside of the splicing consensus sequence and in silico or computational prediction software programs (SpliceSiteFinder, MaxEntScan, NNSPLICE, GeneSplicer) do not predict a difference in splicing. In summary, based on the above information, the clinical significance of this variant cannot be determined with certainty at this time. This variant is classified as a variant of uncertain significance.

Literature cited by the submitters: PubMed 31721781 (cited by Labcorp Genetics (formerly Invitae), Labcorp and Women's Health and Genetics/Laboratory Corporation of America, LabCorp); PubMed 32885271 (cited by Ambry Genetics); PubMed 29654263 (cited by Women's Health and Genetics/Laboratory Corporation of America, LabCorp); PubMed 31874108 (cited by Women's Health and Genetics/Laboratory Corporation of America, LabCorp); PubMed 33471991 (cited by Women's Health and Genetics/Laboratory Corporation of America, LabCorp).

NM_000136.3(FANCC):c.792T>G (p.Ser264Arg)

Genes: FANCC (FA complementation group C; minus strand), AOPEP (aminopeptidase O (putative); plus strand). Cytogenetic location: 9q22.32.
Variant type: single nucleotide variant.
Coding change: c.792T>G on transcript NM_000136.3 (MANE Select); coding-DNA position 792, T replaced by G.
Protein change: p.Ser264Arg; replaces serine 264 with arginine.
Molecular consequence: missense variant.
Genome position (GRCh38, 1-based): chr9:95,135,397, A>C on the plus strand (T>G on the coding strand, the complement: FANCC is on the minus strand). VCF-style: chr9-95135397-A-C. GRCh37 (hg19) VCF-style: chr9-97897679-A-C.
Other names: p.S264R:AGT>AGG; c.792T>G, p.Ser264Arg (NM_001243743.2, NM_001243744.2); short protein forms S264R.
Identifiers: ClinVar variation 182477 (VCV000182477.25), dbSNP rs730881717, ClinGen allele CA299160.